The following is an entry in ClinVar:

ClinVar aggregate classification (germline): Uncertain significance (1 of 4 stars; one submission).

Conditions:
Norman-Roberts syndrome (LIS2). Also called: Lissencephaly 2 (Norman-Roberts type). Identifiers: Orphanet 89844, MedGen C0796089, MONDO:0009760, OMIM 257320.
Familial temporal lobe epilepsy 7. Identifiers: Orphanet 101046, MedGen C4225327, MONDO:0014639, OMIM 616436.

Submission:

Labcorp Genetics (formerly Invitae), Labcorp
Classification: Uncertain significance for Familial temporal lobe epilepsy 7; Norman-Roberts syndrome. Last evaluated: 2019-08-21. Review status: criteria provided, single submitter. Criteria: Invitae Variant Classification Sherloc (09022015). Collection method: clinical testing. Allele origin: germline.
Comment: This sequence change replaces leucine with phenylalanine at codon 2514 of the RELN protein (p.Leu2514Phe). The leucine residue is moderately conserved and there is a small physicochemical difference between leucine and phenylalanine. In summary, the available evidence is currently insufficient to determine the role of this variant in disease. Therefore, it has been classified as a Variant of Uncertain Significance. Algorithms developed to predict the effect of missense changes on protein structure and function are either unavailable or do not agree on the potential impact of this missense change (SIFT: "Deleterious"; PolyPhen-2: "Probably Damaging"; Align-GVGD: "Class C0"). This variant has not been reported in the literature in individuals with RELN-related conditions. This variant is not present in population databases (ExAC no frequency).

NM_005045.4(RELN):c.7540C>T (p.Leu2514Phe)

Gene: RELN (reelin; minus strand). Cytogenetic location: 7q22.1.
Variant type: single nucleotide variant.
Coding change: c.7540C>T on transcript NM_005045.4 (MANE Select); coding-DNA position 7540, C replaced by T.
Protein change: p.Leu2514Phe; replaces leucine 2514 with phenylalanine.
Molecular consequence: missense variant.
Genome position (GRCh38, 1-based): chr7:103,522,150, G>A on the plus strand (C>T on the coding strand, the complement: RELN is on the minus strand). VCF-style: chr7-103522150-G-A. GRCh37 (hg19) VCF-style: chr7-103162597-G-A.
Other names: c.7540C>T, p.Leu2514Phe (NM_173054.3); short protein forms L2514F.
Identifiers: ClinVar variation 946572 (VCV000946572.9), dbSNP rs1829722994, ClinGen allele CA368767284.